The following continues an entry in ClinVar:

NM_007194.4(CHEK2):c.1427C>T (p.Thr476Met)

Gene: CHEK2. ClinVar aggregate classification (germline): Conflicting classifications of pathogenicity. Pathogenic (1); Likely pathogenic (18); Established risk allele (2); Likely risk allele (1); Uncertain significance (26).

Submissions 34 to 51 of 62:

Genetics and Molecular Pathology, SA Pathology
Classification: Uncertain significance for Familial cancer of breast. Last evaluated: 2021-08-11. Review status: criteria provided, single submitter. Criteria: ACMG Guidelines, 2015. Collection method: clinical testing. Allele origin: germline. Affected: yes.

GeneKor MSA
Classification: Likely pathogenic for Hereditary cancer-predisposing syndrome. Last evaluated: 2021-01-09. Review status: criteria provided, single submitter. Criteria: ACMG Guidelines, 2015. Collection method: clinical testing. Allele origin: germline. Affected: yes.
Comment: This variation detected results in the substitution of the amino acid Threonine with Methionine at codon 476 of the CHEK2 protein. The threonine residue is highly conserved among species in the Protein kinase domain of the protein and there is physiochemical difference between threonine and methionine (Grantham Score 81). This variant has been described in the international literature in individuals affected with breast and endometrial cancers (PMID: 21244692, PMID: 27443514).This variant is present in mutation databases at a low frequency (rs142763740, ExAC 0.07%). The mutation database ClinVar contains entries for this variant (Variation ID: 128060). Algorithms developed to predict the effect of missense changes on protein structure and function suggest that this variant is likely to be damaging to the protein, a prediction supported also by experimental studies. (PMID: 22114986, PMID: 22419737).

Institute of Medical Genetics and Applied Genomics, University Hospital Tübingen
Classification: Likely pathogenic. Last evaluated: 2020-10-23. Review status: criteria provided, single submitter. Criteria: ACMG Guidelines, 2015. Collection method: clinical testing. Allele origin: germline. Inheritance: Unknown mechanism. Affected: yes.

Department of Molecular Diagnostics, Institute of Oncology Ljubljana
Classification: Uncertain significance for Familial cancer of breast. Last evaluated: 2020-04-12. Review status: criteria provided, single submitter. Criteria: ACMG Guidelines, 2015. Collection method: clinical testing. Allele origin: germline. Affected: yes.

Clinical Genetics and Genomics, Karolinska University Hospital
Classification: Likely pathogenic. Last evaluated: 2020-01-21. Review status: criteria provided, single submitter. Criteria: ACMG Guidelines, 2015. Collection method: clinical testing. Allele origin: germline. Affected: yes. Observed: 3 variant alleles.

Knight Diagnostic Laboratories, Oregon Health and Sciences University
Classification: Likely pathogenic for Hereditary cancer-predisposing syndrome. Last evaluated: 2019-03-12. Review status: criteria provided, single submitter. Criteria: ACMG Guidelines, 2015. Collection method: clinical testing. Allele origin: germline. Observed: 1 variant allele.

Mendelics
Classification: Likely pathogenic for Familial cancer of breast. Last evaluated: 2018-07-02. Review status: criteria provided, single submitter. Criteria: Mendelics Assertion Criteria 2017. Collection method: clinical testing. Allele origin: unknown.

HudsonAlpha Institute for Biotechnology
Classification: Uncertain significance for Familial cancer of breast. Last evaluated: 2018-04-16. Review status: criteria provided, single submitter. Criteria: ACMG Guidelines, 2015. Collection method: research. Allele origin: unknown, maternal. Observed: 2 variant alleles. Study: CSER-HudsonAlpha.

GeneID Lab - Advanced Molecular Diagnostics
Classification: Likely pathogenic for Hereditary cancer-predisposing syndrome. Last evaluated: 2017-09-07. Review status: criteria provided, single submitter. Criteria: ACMG Guidelines, 2015. Collection method: clinical testing. Allele origin: germline. Observed: 1 variant allele.

Illumina Laboratory Services, Illumina
Classification: Likely pathogenic for CHEK2-Related Cancer Susceptibility. Last evaluated: 2017-04-27. Review status: criteria provided, single submitter. Criteria: ICSL Variant Classification Criteria 09 May 2019. Collection method: clinical testing. Allele origin: germline.
Comment: The CHEK2 c.1427C>T (p.Thr476Met) missense variant, also referred to as c.1556C>T (p.Thr519Met), was reported in five of 1,955 breast cancer patients (Le Calvez-Kelm et al. 2011; Desrichard et al. 2011; Angelova et al. 2012). The variant was absent from a total of 1,622 controls, but is reported at a frequency of 0.00068 in the European (non-Finnish) population of the Exome Aggregation Consortium. Desrichard et al. (2011) developed an in vitro kinase activity assay to assess the activity of missense variants in CHEK2. In this assay the p.Thr476Met variant demonstrated no kinase activity and was similar to a known non-functional kinase variant of CHEK2. In addition, Roeb et al. (2012) developed a yeast-based in-vivo functional assay to assess the effect of CHEK2 variants on the repair of DNA damage. Cells with wild type CHEK2 repaired the DNA damage while cells with a known non-functional variant of CHEK2 did not. The p.Thr476Met variant was shown to have loss of function by this DNA damage response assay. Based on the evidence, the p.Thr476Met variant is classified as pathogenic for CHEK2-related cancer susceptibility. This variant was observed by ICSL as part of a predisposition screen in an ostensibly healthy population.

Institute for Biomarker Research, Medical Diagnostic Laboratories, L.L.C.
Classification: Likely pathogenic for Hereditary cancer-predisposing syndrome. Last evaluated: 2017-02-14. Review status: criteria provided, single submitter. Criteria: ACMG Guidelines, 2015. Collection method: clinical testing. Allele origin: germline.

Illumina Laboratory Services, Illumina
Classification: Likely pathogenic for Breat Cancer. Last evaluated: 2016-06-14. Review status: criteria provided, single submitter. Criteria: ICSL Variant Classification 20161018. Collection method: clinical testing. Allele origin: germline.
Comment: Across three studies, the c.1427C>T (p.Thr476Met), was reported in five of 1,955 breast cancer patients (Le Calvez-Kelm et al. 2011; Desrichard et al. 2011; Angelova et al. 2012). The variant was absent from a total of 1,622 controls, but is reported at a frequency of 0.00068 in the European (Non-Finnish) population of the Exome Aggregation Consortium. Desrichard et al. (2011) developed an in vitro kinase activity assay to assess the activity of missense variants in CHEK2. In this assay the p.Thr476Met variant demonstrated no kinase activity and was similar to a known non-functional kinase variant of CHEK2. In addition, Roeb et al. (2012) developed a yeast-based in-vivo functional assay to assess the effect of CHEK2 variants on the repair of DNA damage. Cells with wild-type CHEK2 repaired the DNA damage while cells with a known non-functional variant of CHEK2 did not. The p.Thr476Met variant was shown to have loss of function by this DNA damage response assay. Based on the evidence, the p.Thr476Met variant is classified as likely pathogenic for breast cancer.

University of Washington Department of Laboratory Medicine, University of Washington
Classification: Uncertain significance for Breast and colorectal cancer, susceptibility to. Last evaluated: 2015-11-20. Review status: criteria provided, single submitter. Criteria: Shirts et al. (Genet Med 2016). Collection method: clinical testing. Allele origin: germline. Affected: no. Observed: 1 variant allele.

Genesis Genomics
Classification: Likely pathogenic for CHEK2-related cancer predisposition. Review status: criteria provided, single submitter. Criteria: ACMG Guidelines, 2015. Collection method: clinical testing. Allele origin: germline. Affected: yes. Observed: 1 variant allele.

University Health Network, Familial Cancer Clinic, Princess Margaret Cancer Centre
Classification: Likely pathogenic for CHEK2-related cancer predisposition. Review status: criteria provided, single submitter. Criteria: ACMG Guidelines, 2015. Collection method: clinical testing. Allele origin: germline. Inheritance: Autosomal dominant inheritance. Affected: yes. Observed: 1 variant allele.

German Consortium for Hereditary Breast and Ovarian Cancer, University Hospital Cologne
Classification: Established risk allele for Hereditary breast ovarian cancer syndrome. Last evaluated: 2025-02-18. Review status: no assertion criteria provided. Collection method: curation. Allele origin: germline. Not counted in ClinVar's aggregate classification.
Comment: PMID 33471991: 53461 controls, 60466 BC-cases OR 1.63, 95%CI, 1,12-2,38, p<0.01 PMID 37449874: 88658 controls, 73048 BC-cases OR 1.88; 95% CI, 1.35–2.64

PreventionGenetics, part of Exact Sciences
Classification: Likely pathogenic for CHEK2-related condition. Last evaluated: 2024-08-20. Review status: no assertion criteria provided. Collection method: clinical testing. Allele origin: germline. Not counted in ClinVar's aggregate classification.
Comment: The CHEK2 c.1427C>T variant is predicted to result in the amino acid substitution p.Thr476Met. This variant has been reported in multiple individuals with breast cancer, with a recent study reporting an odds ratio of 1.35 (95% CI=1.03-1.77, P-value=0.03) (Table S1, Le Calvez-Kelm et al. 2011. PubMed ID: 21244692; Desrichard et al. 2011. PubMed ID: 22114986; Roeb et al. 2012. PubMed ID: 22419737; Angelova et al. 2012. PubMed ID: 22862163; Table S1, Susswein et al. 2016. PubMed ID: 26681312; Schubert et al. 2019. PubMed ID: 30426508; Lerner-Ellis et al. 2020. PubMed ID: 31784482; Figure 2, Bychkovsky et al. 2022. PubMed ID: 36136322). This variant has also been reported in individuals with ovarian cancer, prostate cancer, pancreatic cancer, and colorectal cancer (Table S1, Hu et al. 2016. PubMed ID: 26483394; Table S1, Susswein et al. 2016. PubMed ID: 26681312; Table 1, Isaacsson Velho et al. 2018. PubMed ID: 29368341; Table 1, Young et al. 2018. PubMed ID: 29945567; Table S4, Bertelsen et al. 2019. PubMed ID: 31263571; Table S3, Arvai et al. 2019. PubMed ID: 31341520). In vitro and in vivo experimental studies suggest this variant results in reduced or absent kinase activity and DNA damage response (Desrichard et al. 2011. PubMed ID: 22114986; Table 1, Roeb et al. 2012. PubMed ID: 22419737; Figure 1, Kleiblova et al. 2019. PubMed ID: 31050813). An additional functional study using protein expression in yeast found that his variant results in semi-functional kinase activity (Delimitsou et al. 2019. PubMed ID: 30851065). In the gnomAD public population database this variant has been reported in up to ~0.05% of alleles in a subpopulation and has conflicting interpretations of uncertain, risk allele, and likely pathogenic in ClinVar. Taken together, we interpret c.1427C>T (p.Thr476Met) as likely pathogenic.

Zotz-Klimas Genetics Lab, MVZ Zotz Klimas
Classification: Likely pathogenic for CHEK2-related cancer predisposition. Last evaluated: 2023-11-24. Review status: no assertion criteria provided. Collection method: clinical testing. Allele origin: germline. Affected: yes. Not counted in ClinVar's aggregate classification.